The following is an entry in ClinVar:

ClinVar aggregate classification (germline): Pathogenic (1 of 4 stars; one submission).

Conditions:
Nemaline myopathy. Also called: Myopathies, Nemaline. Identifiers: Orphanet 607, MedGen C0206157, MONDO:0018958.

Submission:

Women's Health and Genetics/Laboratory Corporation of America, LabCorp
Classification: Pathogenic for Nemaline myopathy. Last evaluated: 2025-03-06. Review status: criteria provided, single submitter. Criteria: LabCorp Variant Classification Summary - May 2015. Collection method: clinical testing. Allele origin: germline.
Comment: Variant summary: The variant involves the deletion of exon 55 in the NEB gene. A presumed nomenclature of c.(7431+1_7432-1)_(7536+1_7537-1)del has been designated for the purposes of this classification. This Copy Number Variant (CNV) is predicted to result in an in-frame deletion within this gene. The variant allele was found at a frequency of 4.6e-05 in 21694 control chromosomes (gnomAD, Structural Variants dataset). c.(7431+1_7432-1)_(7536+1_7537-1)del (also known as c.7431+1919_7536+374del) has been reported in the literature in multiple individuals affected with Nemaline Myopathy 2 (examples: Lehtokari_2009, Fedick_2012, Kiiski_2013, Scoto_2013). The variant is a known pathogenic variant seen frequently in patients with nemaline myopathy of Ashkenazi Jewish heritage (Lehtokari_2009). Functional studies in a mouse model are in support of a pathogenic outcome for this NEB deletion (Ottenheijm_2013). The following publications have been ascertained in the context of this evaluation (PMID: 22281206, 23010307, 23443021, 19232495, 23715096). ClinVar contains an entry for this variant (Variation ID: 813318, 14052, 652384). Based on the evidence outlined above, the variant was classified as pathogenic.

Literature cited by the submitters: PubMed 22281206; PubMed 23010307; PubMed 23443021; PubMed 19232495; PubMed 23715096.

NC_000002.11:g.(152501090_152502643)_(152502749_152506689)del

Gene: NEB (nebulin; minus strand). Cytogenetic location: 2q23.3.
Variant type: Deletion.
Identifiers: ClinVar variation 1723442 (VCV001723442.2).